The following is an entry in ClinVar:

ClinVar aggregate classification (germline): Likely benign. Review status: criteria provided, multiple submitters, no conflicts (2 of 4 stars). 2 submissions from 2 submitters: Likely benign (2). Last evaluated 2026-05-01.

gnomAD v4.1: 8 of 1,613,992 alleles (0.0005%); no homozygotes.

Submissions (2):

CeGaT Center for Human Genetics Tuebingen
Classification: Likely benign. Last evaluated: 2026-05-01. Review status: criteria provided, single submitter. Criteria: CeGaT Center For Human Genetics Tuebingen Variant Classification Criteria Version 2. Collection method: clinical testing. Allele origin: germline. Affected: yes. Observed: 1 variant allele.
Comment: PPP2R5D: BP4, BP7

Labcorp Genetics (formerly Invitae), Labcorp
Classification: Likely benign. Last evaluated: 2024-05-27. Review status: criteria provided, single submitter. Criteria: Invitae Variant Classification Sherloc (09022015). Collection method: clinical testing. Allele origin: germline.

NM_006245.4(PPP2R5D):c.1350C>T (p.Leu450=)

Gene: PPP2R5D (protein phosphatase 2 regulatory subunit B'delta; plus strand). Cytogenetic location: 6p21.1.
Variant type: single nucleotide variant.
Coding change: c.1350C>T on transcript NM_006245.4 (MANE Select); coding-DNA position 1350, C replaced by T.
Protein change: p.Leu450=; no amino-acid change (leucine 450 retained).
Molecular consequence: synonymous variant.
Genome position (GRCh38, 1-based): chr6:43,009,420, C>T. VCF-style: chr6-43009420-C-T. GRCh37 (hg19) VCF-style: chr6-42977158-C-T.
Other names: c.897C>T, p.Leu299= (NM_001270476.2); c.1254C>T, p.Leu418= (NM_180976.3); c.1032C>T, p.Leu344= (NM_180977.3).
Identifiers: ClinVar variation 3709077 (VCV003709077.4).